The following is an entry in ClinVar:

ClinVar aggregate classification (germline): Uncertain significance. Review status: criteria provided, multiple submitters, no conflicts (2 of 4 stars). 3 submissions from 3 submitters: Uncertain significance (3). Last evaluated 2022-12-08.

Conditions:
Autosomal recessive limb-girdle muscular dystrophy type 2O. Also called: Limb-Girdle Muscular Dystrophy Type 3C; MUSCULAR DYSTROPHY-DYSTROGLYCANOPATHY (LIMB-GIRDLE), TYPE C, 3; MUSCULAR DYSTROPHY-DYSTROGLYCANOPATHY, LIMB-GIRDLE, POMGNT1-RELATED. Identifiers: Orphanet 206564, MedGen C3150417, MONDO:0013161, OMIM 613157.
Muscular dystrophy-dystroglycanopathy (congenital with impaired intellectual development), type B, 3. Also called: Muscular dystrophy-dystroglycanopathy (congenital with intellectual disability), type B3; MUSCULAR DYSTROPHY, CONGENITAL, POMGNT1-RELATED. Identifiers: MedGen C3150412, MONDO:0013155, OMIM 613151.

Submissions (3):

Revvity Omics, Revvity
Classification: Uncertain significance. Last evaluated: 2022-12-08. Review status: criteria provided, single submitter. Criteria: ACMG Guidelines, 2015. Collection method: clinical testing. Allele origin: germline.

Labcorp Genetics (formerly Invitae), Labcorp
Classification: Uncertain significance for Autosomal recessive limb-girdle muscular dystrophy type 2O; Muscular dystrophy-dystroglycanopathy (congenital with impaired intellectual development), type B, 3. Last evaluated: 2022-09-06. Review status: criteria provided, single submitter. Criteria: Invitae Variant Classification Sherloc (09022015). Collection method: clinical testing. Allele origin: germline.
Comment: This sequence change replaces isoleucine, which is neutral and non-polar, with threonine, which is neutral and polar, at codon 361 of the POMGNT1 protein (p.Ile361Thr). This variant is not present in population databases (gnomAD no frequency). This variant has not been reported in the literature in individuals affected with POMGNT1-related conditions. ClinVar contains an entry for this variant (Variation ID: 500654). Advanced modeling of protein sequence and biophysical properties (such as structural, functional, and spatial information, amino acid conservation, physicochemical variation, residue mobility, and thermodynamic stability) performed at Invitae indicates that this missense variant is not expected to disrupt POMGNT1 protein function. In summary, the available evidence is currently insufficient to determine the role of this variant in disease. Therefore, it has been classified as a Variant of Uncertain Significance.

Eurofins Ntd Llc (ga)
Classification: Uncertain significance. Last evaluated: 2017-02-28. Review status: criteria provided, single submitter. Criteria: EGL Classification Definitions 2015. Collection method: clinical testing. Allele origin: germline. Observed: 2 variant alleles, 2 heterozygotes.

NM_017739.4(POMGNT1):c.1082T>C (p.Ile361Thr)

Genes: POMGNT1 (protein O-linked mannose N-acetylglucosaminyltransferase 1 (beta 1,2-); minus strand), TSPAN1 (tetraspanin 1; plus strand). Cytogenetic location: 1p34.1.
Variant type: single nucleotide variant.
Coding change: c.1082T>C on transcript NM_017739.4 (MANE Select); coding-DNA position 1082, T replaced by C.
Protein change: p.Ile361Thr; replaces isoleucine 361 with threonine.
Molecular consequence: missense variant.
Genome position (GRCh38, 1-based): chr1:46,193,333, A>G on the plus strand (T>C on the coding strand, the complement: POMGNT1 is on the minus strand). VCF-style: chr1-46193333-A-G. GRCh37 (hg19) VCF-style: chr1-46659005-A-G.
Other names: c.1082T>C, p.Ile361Thr (NM_001243766.2, NM_001410783.1); c.1016T>C, p.Ile339Thr (NM_001290129.3); c.653T>C, p.Ile218Thr (NM_001290130.2); short protein forms I361T, I339T, I218T.
Identifiers: ClinVar variation 500654 (VCV000500654.14), dbSNP rs1553163380, ClinGen allele CA340179877.